The following is an entry in ClinVar:

ClinVar aggregate classification (germline): Likely benign (1 of 4 stars; one submission).

Allele frequency attached by ClinVar (database versions not stated): ExAC 0.00005.
gnomAD v4.1: 26 of 1,613,668 alleles (0.0016%); highest among the groups gnomAD compares: East Asian, 0.0045%; no homozygotes.

Submission:

CeGaT Center for Human Genetics Tuebingen
Classification: Likely benign. Last evaluated: 2022-08-01. Review status: criteria provided, single submitter. Criteria: CeGaT Center For Human Genetics Tuebingen Variant Classification Criteria Version 2. Collection method: clinical testing. Allele origin: germline. Affected: yes. Observed: 1 variant allele.
Comment: FIGN: BP4, BP7

NM_018086.4(FIGN):c.819G>A (p.Ala273=)

Gene: FIGN (fidgetin, microtubule severing factor; minus strand). Cytogenetic location: 2q24.3.
Variant type: single nucleotide variant.
Coding change: c.819G>A on transcript NM_018086.4 (MANE Select); coding-DNA position 819, G replaced by A.
Protein change: p.Ala273=; no amino-acid change (alanine 273 retained).
Molecular consequence: synonymous variant.
Genome position (GRCh38, 1-based): chr2:163,611,013, C>T on the plus strand (G>A on the coding strand, the complement: FIGN is on the minus strand). VCF-style: chr2-163611013-C-T. GRCh37 (hg19) VCF-style: chr2-164467523-C-T.
Other names: c.786G>A, p.Ala262= (NM_001321825.2).
Identifiers: ClinVar variation 2651472 (VCV002651472.24), dbSNP rs776413594, ClinGen allele CA1936311.